The following is an entry in ClinVar:

ClinVar aggregate classification (germline): Uncertain significance (1 of 4 stars; one submission).

Submission:

Dasa
Classification: Uncertain significance. Last evaluated: 2025-08-07. Review status: criteria provided, single submitter. Criteria: DASA Assertion Criteria. Collection method: clinical testing. Allele origin: germline.
Comment: NM_003482.4(KMT2D):c.8047-8_8047-7dup is a splice-region variant. This variant is rare in population databases. The currently available literature and clinical evidence are not sufficient to establish a definitive association between this variant and the reported condition. Therefore, this variant is classified as a variant of uncertain significance.

NM_003482.4(KMT2D):c.8047-8_8047-7dup

Gene: KMT2D (lysine methyltransferase 2D; minus strand). Cytogenetic location: 12q13.12.
Variant type: Duplication.
Coding change: c.8047-8_8047-7dup on transcript NM_003482.4 (MANE Select); 8 bases into the intron before coding-DNA position 8047 through 7 bases into the intron before coding-DNA position 8047, 2 bases duplicated (TT; older notation c.8047-8_8047-7dupTT).
Molecular consequence: intron variant.
Genome position (GRCh38, 1-based): chr12:49,039,624-49,039,625, AA duplicated on the plus strand (TT on the coding strand, the reverse complement: KMT2D is on the minus strand); duplicating any 2 consecutive bases within chr12:49,039,624-49,039,631 gives the same sequence; the c. name uses the placement nearest the transcript's 3' end. VCF-style (leftmost placement, unchanged base first): chr12-49039623-C-CAA. GRCh37 (hg19) VCF-style: chr12-49433406-C-CAA.
Identifiers: ClinVar variation 4886309 (VCV004886309.2).